The following is an entry in ClinVar:

NM_000394.4(CRYAA):c.335G>A (p.Arg112His)

Gene: CRYAA (crystallin alpha A; plus strand). Cytogenetic location: 21q22.3.
Variant type: single nucleotide variant.
Coding change: c.335G>A on transcript NM_000394.4 (MANE Select); coding-DNA position 335, G replaced by A.
Protein change: p.Arg112His; replaces arginine 112 with histidine.
Molecular consequence: missense variant.
Genome position (GRCh38, 1-based): chr21:43,172,093, G>A. VCF-style: chr21-43172093-G-A. GRCh37 (hg19) VCF-style: chr21-44592203-G-A.
Other names: c.224G>A, p.Arg75His (NM_001363766.1); c.335G>A (NM_000394.3); short protein forms R75H, R112H.
Identifiers: ClinVar variation 898793 (VCV000898793.41), dbSNP rs200594555, ClinGen allele CA321171043.

ClinVar aggregate classification (germline): Uncertain significance. Review status: criteria provided, multiple submitters, no conflicts (2 of 4 stars). 4 submissions from 4 submitters: Uncertain significance (4). Last evaluated 2026-05-05.

Conditions:
CRYAA-related disorder. Also called: CRYAA-related condition.
Cataract 9 multiple types. Also called: Cataract 9, multiple types, with or without microcornea; Cataract, autosomal recessive congenital 1. Identifiers: Orphanet 1377, MedGen C1858679, MONDO:0011413, OMIM 604219.

Allele frequency attached by ClinVar (database versions not stated): ESP Exome Variant Server 0.00008; gnomAD exomes 0.00008; ExAC 0.00013.

Submissions (4):

PreventionGenetics, part of Exact Sciences
Classification: Uncertain significance for CRYAA-related condition. Last evaluated: 2026-05-05. Review status: criteria provided, single submitter. Criteria: ACMG Guidelines, 2015. Collection method: clinical testing. Allele origin: germline.
Comment: The CRYAA c.335G>A variant is predicted to result in the amino acid substitution p.Arg112His. To our knowledge, this variant has not been reported in the literature. This variant is present in 0.013% of alleles in individuals of European (Non-Finnish) descent in gnomAD. At this time, the clinical significance of this variant is uncertain due to the absence of conclusive functional and genetic evidence.

Labcorp Genetics (formerly Invitae), Labcorp
Classification: Uncertain significance for Cataract 9 multiple types. Last evaluated: 2023-05-09. Review status: criteria provided, single submitter. Criteria: Invitae Variant Classification Sherloc (09022015). Collection method: clinical testing. Allele origin: germline.
Comment: This sequence change replaces arginine, which is basic and polar, with histidine, which is basic and polar, at codon 112 of the CRYAA protein (p.Arg112His). This variant is present in population databases (rs200594555, gnomAD 0.01%). This variant has not been reported in the literature in individuals affected with CRYAA-related conditions. ClinVar contains an entry for this variant (Variation ID: 898793). Advanced modeling of protein sequence and biophysical properties (such as structural, functional, and spatial information, amino acid conservation, physicochemical variation, residue mobility, and thermodynamic stability) performed at Invitae indicates that this missense variant is expected to disrupt CRYAA protein function. In summary, the available evidence is currently insufficient to determine the role of this variant in disease. Therefore, it has been classified as a Variant of Uncertain Significance.

CeGaT Center for Human Genetics Tuebingen
Classification: Uncertain significance. Last evaluated: 2022-01-01. Review status: criteria provided, single submitter. Criteria: CeGaT Center For Human Genetics Tuebingen Variant Classification Criteria Version 2. Collection method: clinical testing. Allele origin: germline. Affected: yes. Observed: 1 variant allele.

Illumina Laboratory Services, Illumina
Classification: Uncertain significance for Cataract 9 multiple types. Last evaluated: 2017-04-28. Review status: criteria provided, single submitter. Criteria: ICSL Variant Classification Criteria 13 December 2019. Collection method: clinical testing. Allele origin: germline.